The following is an entry in ClinVar:

ClinVar aggregate classification (germline): Uncertain significance. Review status: criteria provided, multiple submitters, no conflicts (2 of 4 stars). 3 submissions from 3 submitters: Uncertain significance (2). 1 of the submissions does not count toward it. Last evaluated 2024-05-26.

Conditions:
Cardiovascular phenotype. Identifiers: MedGen CN230736.
Cholestanol storage disease (CTX). Also called: Cerebrotendinous Xanthomatosis; CTX: Cerebrotendinous xanthomatosis; CEREBRAL CHOLESTERINOSIS. Identifiers: Orphanet 909, MedGen C0238052, MONDO:0008948, OMIM 213700.

Allele frequency attached by ClinVar (database versions not stated): gnomAD exomes 0.00001; gnomAD 0.00002.
gnomAD v4.1: 8 of 1,614,088 alleles (0.0005%); highest among the groups gnomAD compares: African/African-American, 0.004%; no homozygotes.

Submissions (3):

Ambry Genetics
Classification: Uncertain significance for Cardiovascular phenotype. Last evaluated: 2024-05-26. Review status: criteria provided, single submitter. Criteria: Ambry Variant Classification Scheme 2023. Collection method: clinical testing. Allele origin: germline.
Comment: The p.L173P variant (also known as c.518T>C), located in coding exon 3 of the CYP27A1 gene, results from a T to C substitution at nucleotide position 518. The leucine at codon 173 is replaced by proline, an amino acid with similar properties. This amino acid position is conserved. In addition, the in silico prediction for this alteration is inconclusive. Based on the available evidence, the clinical significance of this variant remains unclear.

Labcorp Genetics (formerly Invitae), Labcorp
Classification: Uncertain significance for Cholestanol storage disease. Last evaluated: 2021-08-24. Review status: criteria provided, single submitter. Criteria: Invitae Variant Classification Sherloc (09022015). Collection method: clinical testing. Allele origin: germline.
Comment: This sequence change replaces leucine with proline at codon 173 of the CYP27A1 protein (p.Leu173Pro). The leucine residue is highly conserved and there is a moderate physicochemical difference between leucine and proline. This variant is not present in population databases (ExAC no frequency). This variant has not been reported in the literature in individuals affected with CYP27A1-related conditions. Algorithms developed to predict the effect of missense changes on protein structure and function are either unavailable or do not agree on the potential impact of this missense change (SIFT: "Deleterious"; PolyPhen-2: "Benign"; Align-GVGD: "Class C0"). In summary, the available evidence is currently insufficient to determine the role of this variant in disease. Therefore, it has been classified as a Variant of Uncertain Significance.

Natera, Inc.
Classification: Uncertain significance for Cerebrotendinous xanthomatosis. Last evaluated: 2020-12-29. Review status: no assertion criteria provided. Collection method: clinical testing. Allele origin: germline. Not counted in ClinVar's aggregate classification.

NM_000784.4(CYP27A1):c.518T>C (p.Leu173Pro)

Gene: CYP27A1 (cytochrome P450 family 27 subfamily A member 1; plus strand). Cytogenetic location: 2q35.
Variant type: single nucleotide variant.
Coding change: c.518T>C on transcript NM_000784.4 (MANE Select); coding-DNA position 518, T replaced by C.
Protein change: p.Leu173Pro; replaces leucine 173 with proline.
Molecular consequence: missense variant.
Genome position (GRCh38, 1-based): chr2:218,812,293, T>C. VCF-style: chr2-218812293-T-C. GRCh37 (hg19) VCF-style: chr2-219677016-T-C.
Other names: short protein forms L173P.
Identifiers: ClinVar variation 939619 (VCV000939619.10), dbSNP rs1378044084, ClinGen allele CA350585008.